The following is an entry in ClinVar:

ClinVar aggregate classification (germline): Uncertain significance (1 of 4 stars; one submission).

Submission:

Labcorp Genetics (formerly Invitae), Labcorp
Classification: Uncertain significance. Last evaluated: 2025-03-24. Review status: criteria provided, single submitter. Criteria: Invitae Variant Classification Sherloc (09022015). Collection method: clinical testing. Allele origin: germline.
Comment: This sequence change replaces glycine, which is neutral and non-polar, with tryptophan, which is neutral and slightly polar, at codon 762 of the COL7A1 protein (p.Gly762Trp). This variant is not present in population databases (gnomAD no frequency). This variant has not been reported in the literature in individuals affected with COL7A1-related conditions. Invitae Evidence Modeling of protein sequence and biophysical properties (such as structural, functional, and spatial information, amino acid conservation, physicochemical variation, residue mobility, and thermodynamic stability) indicates that this missense variant is not expected to disrupt COL7A1 protein function with a negative predictive value of 95%. In summary, the available evidence is currently insufficient to determine the role of this variant in disease. Therefore, it has been classified as a Variant of Uncertain Significance.

NM_000094.4(COL7A1):c.2284G>T (p.Gly762Trp)

Gene: COL7A1 (collagen type VII alpha 1 chain; minus strand). Cytogenetic location: 3p21.31.
Variant type: single nucleotide variant.
Coding change: c.2284G>T on transcript NM_000094.4 (MANE Select); coding-DNA position 2284, G replaced by T.
Protein change: p.Gly762Trp; replaces glycine 762 with tryptophan.
Molecular consequence: missense variant.
Genome position (GRCh38, 1-based): chr3:48,589,357, C>A on the plus strand (G>T on the coding strand, the complement: COL7A1 is on the minus strand). VCF-style: chr3-48589357-C-A. GRCh37 (hg19) VCF-style: chr3-48626790-C-A.
Other names: short protein forms G762W.
Identifiers: ClinVar variation 4698209 (VCV004698209.1).